The following is an entry in ClinVar:

NM_000059.4(BRCA2):c.9056A>G (p.Lys3019Arg)

Gene: BRCA2 (BRCA2 DNA repair associated; plus strand). Cytogenetic location: 13q13.1.
Variant type: single nucleotide variant.
Coding change: c.9056A>G on transcript NM_000059.4 (MANE Select); coding-DNA position 9056, A replaced by G.
Protein change: p.Lys3019Arg; replaces lysine 3019 with arginine.
Molecular consequence: missense variant.
Genome position (GRCh38, 1-based): chr13:32,379,852, A>G. VCF-style: chr13-32379852-A-G. GRCh37 (hg19) VCF-style: chr13-32953989-A-G.
Other names: c.9056A>G (NM_000059.3); short protein forms K3019R.
Identifiers: ClinVar variation 1003168 (VCV001003168.11), dbSNP rs2072909723, ClinGen allele CA387757553.

ClinVar aggregate classification (germline): Conflicting classifications of pathogenicity. Review status: criteria provided, conflicting classifications (1 of 4 stars). 2 submissions from 2 submitters: Uncertain significance (1); Likely benign (1). Last evaluated 2025-07-31.

Conditions:
Hereditary cancer-predisposing syndrome. Also called: Hereditary neoplastic syndrome; Neoplastic Syndromes, Hereditary; Tumor predisposition; Hereditary Cancer Syndrome. Identifiers: Orphanet 140162, MedGen C0027672, MeSH D009386, MONDO:0015356.
Hereditary breast ovarian cancer syndrome. Also called: Hereditary breast and/or ovarian cancer syndrome; Hereditary breast and ovarian cancer syndrome; Hereditary breast and ovarian cancer syndrome (HBOC); Breast and ovarian cancer; BRCA1- and BRCA2-Associated Hereditary Breast and Ovarian Cancer; Hereditary breast and ovarian cancer. Identifiers: Orphanet 145, MedGen C0677776, MeSH D061325, MONDO:0003582. Disease mechanism: loss of function.

Allele frequency attached by ClinVar (database versions not stated): gnomAD exomes below 0.00001.
gnomAD v4.1: 1 of 1,613,878 alleles (0.000062%); highest among the groups gnomAD compares: Non-Finnish European, 0.000085%; no homozygotes.

Submissions (2):

Labcorp Genetics (formerly Invitae), Labcorp
Classification: Uncertain significance for Hereditary breast ovarian cancer syndrome. Last evaluated: 2025-07-31. Review status: criteria provided, single submitter. Criteria: Invitae Variant Classification Sherloc (09022015). Collection method: clinical testing. Allele origin: germline.
Comment: This sequence change replaces lysine, which is basic and polar, with arginine, which is basic and polar, at codon 3019 of the BRCA2 protein (p.Lys3019Arg). This variant is not present in population databases (gnomAD no frequency). This variant has not been reported in the literature in individuals affected with BRCA2-related conditions. ClinVar contains an entry for this variant (Variation ID: 1003168). Invitae Evidence Modeling of protein sequence and biophysical properties (such as structural, functional, and spatial information, amino acid conservation, physicochemical variation, residue mobility, and thermodynamic stability) indicates that this missense variant is not expected to disrupt BRCA2 protein function with a negative predictive value of 95%. In summary, the available evidence is currently insufficient to determine the role of this variant in disease. Therefore, it has been classified as a Variant of Uncertain Significance.

Ambry Genetics
Classification: Likely benign for Hereditary cancer-predisposing syndrome. Last evaluated: 2025-05-16. Review status: criteria provided, single submitter. Criteria: Ambry Variant Classification Scheme 2023. Collection method: clinical testing. Allele origin: germline.